The following is an entry in ClinVar:

ClinVar aggregate classification (germline): Likely benign (1 of 4 stars; one submission).

gnomAD v4.1: 2 of 150,844 alleles (0.0013%); highest among the groups gnomAD compares: South Asian, 0.021%; no homozygotes.

Submission:

CeGaT Center for Human Genetics Tuebingen
Classification: Likely benign. Last evaluated: 2026-03-01. Review status: criteria provided, single submitter. Criteria: CeGaT Center For Human Genetics Tuebingen Variant Classification Criteria Version 2. Collection method: clinical testing. Allele origin: germline. Affected: yes. Observed: 3 variant alleles.
Comment: FANCL: BP4, BP7

NM_018062.4(FANCL):c.540+9907C>T

Gene: FANCL (FA complementation group L; minus strand). Cytogenetic location: 2p16.1.
Variant type: single nucleotide variant.
Coding change: c.540+9907C>T on transcript NM_018062.4 (MANE Select); 9907 bases into the intron after coding-DNA position 540, C replaced by T.
Molecular consequence: intron variant.
Genome position (GRCh38, 1-based): chr2:58,188,687, G>A on the plus strand (C>T on the coding strand, the complement: FANCL is on the minus strand). VCF-style: chr2-58188687-G-A. GRCh37 (hg19) VCF-style: chr2-58415822-G-A.
Other names: c.97-22813C>T (NM_001438892.1); c.540+9907C>T (NM_001438891.1); c.585+5542C>T (NM_001374615.1, NM_001438889.1); c.555+9892C>T (NM_001114636.2, NM_001438890.1); c.600+5542C>T (NM_001410792.1).
Identifiers: ClinVar variation 4821937 (VCV004821937.4).